The following is an entry in ClinVar:

ClinVar aggregate classification (germline): Likely benign. Review status: criteria provided, multiple submitters, no conflicts (2 of 4 stars). 2 submissions from 2 submitters: Likely benign (2). Last evaluated 2018-06-19.

Allele frequency attached by ClinVar (database versions not stated): gnomAD exomes 0.00105 and 0.00287; ExAC 0.00381; gnomAD 0.01067 and 0.01157; 1000 Genomes Project 30x 0.01156; 1000 Genomes Project 0.01218; TOPMed 0.01263; ESP Exome Variant Server 0.01330.
gnomAD v4.1: 3,218 of 1,592,472 alleles (0.2%); highest among the groups gnomAD compares: African/African-American, 3.7%; 53 homozygotes.

Submissions (2):

GeneDx
Classification: Likely benign. Last evaluated: 2018-06-19. Review status: criteria provided, single submitter. Criteria: GeneDx Variant Classification (06012015). Collection method: clinical testing. Allele origin: germline. Affected: yes.
Comment: This variant is considered likely benign or benign based on one or more of the following criteria: it is a conservative change, it occurs at a poorly conserved position in the protein, it is predicted to be benign by multiple in silico algorithms, and/or has population frequency not consistent with disease.

Breakthrough Genomics
Classification: Likely benign. Review status: criteria provided, single submitter. Criteria: ACMG Guidelines, 2015. Collection method: not provided. Allele origin: germline. Inheritance: Autosomal recessive inheritance. Affected: yes.

NM_012123.4(MTO1):c.1466-34A>G

Gene: MTO1 (mitochondrial tRNA translation optimization 1; plus strand). Cytogenetic location: 6q13.
Variant type: single nucleotide variant.
Coding change: c.1466-34A>G on transcript NM_012123.4 (MANE Select); 34 bases into the intron before coding-DNA position 1466, A replaced by G.
Molecular consequence: intron variant.
Genome position (GRCh38, 1-based): chr6:73,482,415, A>G. VCF-style: chr6-73482415-A-G. GRCh37 (hg19) VCF-style: chr6-74192138-A-G.
Other names: c.1541-34A>G (NM_133645.3); c.1586-34A>G (NM_001123226.2).
Identifiers: ClinVar variation 675929 (VCV000675929.2), dbSNP rs140965477, ClinGen allele CA3889661.